The following is an entry in ClinVar:

NM_000553.6(WRN):c.573_575del (p.Lys191_Asp192delinsAsn)

Gene: WRN (WRN RecQ like helicase; plus strand). Cytogenetic location: 8p12.
Variant type: Deletion.
Coding change: c.573_575del on transcript NM_000553.6 (MANE Select); coding-DNA positions 573 to 575, 3 bases deleted (AGA; older notation c.573_575delAGA).
Protein change: p.Lys191_Asp192delinsAsn.
Molecular consequence: inframe indel.
Genome position (GRCh38, 1-based): chr8:31,067,101-31,067,103, AGA deleted; deleting any 3 consecutive bases within chr8:31,067,100-31,067,103 gives the same sequence; the c. name uses the placement nearest the transcript's 3' end. VCF-style (leftmost placement, unchanged base first): chr8-31067099-AAAG-A. GRCh37 (hg19) VCF-style: chr8-30924615-AAAG-A.
Identifiers: ClinVar variation 528102 (VCV000528102.2), dbSNP rs1288535419, ClinGen allele CA580995318.

ClinVar aggregate classification (germline): Uncertain significance (1 of 4 stars; one submission).

Conditions:
Werner syndrome (WRN). Identifiers: Orphanet 902, MedGen C0043119, MONDO:0010196, OMIM 277700.

Submission:

Labcorp Genetics (formerly Invitae), Labcorp
Classification: Uncertain significance for Werner syndrome. Last evaluated: 2018-12-05. Review status: criteria provided, single submitter. Criteria: Invitae Variant Classification Sherloc (09022015). Collection method: clinical testing. Allele origin: germline.
Comment: This variant, c.573_575delAGA, results in the deletion of two and insertion of one amino acid in the WRN protein (p.Lys191_Asp192delinsAsn), but otherwise preserves the integrity of the reading frame. This variant is not present in population databases (ExAC no frequency). This variant has not been reported in the literature in individuals with WRN-related disease. Experimental studies and prediction algorithms are not available for this variant, and the functional significance of the disrupted amino acids is currently unknown. In summary, the available evidence is currently insufficient to determine the role of this variant in disease. Therefore, it has been classified as a Variant of Uncertain Significance.